The following is an entry in ClinVar:

NM_032271.3(TRAF7):c.348+2del

Gene: TRAF7 (TNF receptor associated factor 7; plus strand). Cytogenetic location: 16p13.3.
Variant type: Deletion.
Coding change: c.348+2del on transcript NM_032271.3 (MANE Select); the canonical splice donor site of the intron after coding-DNA position 348, one base deleted (T; older notation c.348+2delT).
Molecular consequence: splice donor variant.
Genome position (GRCh38, 1-based): chr16:2,170,732, T deleted. VCF-style (leftmost placement, unchanged base first): chr16-2170731-GT-G. GRCh37 (hg19) VCF-style: chr16-2220732-GT-G.
Identifiers: ClinVar variation 4719685 (VCV004719685.1).

ClinVar aggregate classification (germline): Uncertain significance (1 of 4 stars; one submission).

Submission:

Labcorp Genetics (formerly Invitae), Labcorp
Classification: Uncertain significance. Last evaluated: 2025-12-04. Review status: criteria provided, single submitter. Criteria: Invitae Variant Classification Sherloc (09022015). Collection method: clinical testing. Allele origin: germline.
Comment: This sequence change affects a splice site in intron 5 of the TRAF7 gene. It is expected to disrupt RNA splicing. Variants that disrupt the donor or acceptor splice site typically lead to a loss of protein function (PMID: 16199547), however the current clinical and genetic evidence is not sufficient to establish whether loss-of-function variants in TRAF7 cause disease. This variant is not present in population databases (gnomAD no frequency). This variant has not been reported in the literature in individuals affected with TRAF7-related conditions. Algorithms developed to predict the effect of sequence changes on RNA splicing suggest that this variant may disrupt the consensus splice site. In summary, the available evidence is currently insufficient to determine the role of this variant in disease. Therefore, it has been classified as a Variant of Uncertain Significance.

Literature cited by the submitters: PubMed 16199547.